The following is an entry in ClinVar:

NM_000503.6(EYA1):c.966+8A>G

Gene: EYA1 (EYA transcriptional coactivator and phosphatase 1; minus strand). Cytogenetic location: 8q13.3.
Variant type: single nucleotide variant.
Coding change: c.966+8A>G on transcript NM_000503.6 (MANE Select); 8 bases into the intron after coding-DNA position 966, A replaced by G.
Molecular consequence: intron variant.
Genome position (GRCh38, 1-based): chr8:71,271,750, T>C on the plus strand (A>G on the coding strand, the complement: EYA1 is on the minus strand). VCF-style: chr8-71271750-T-C. GRCh37 (hg19) VCF-style: chr8-72183985-T-C.
Other names: c.1035+8A>G (NM_001370336.1); c.1053+8A>G (NM_001370333.1); c.966+8A>G (NM_001370335.1, NM_001370334.1, NM_172058.4 and 1 more transcripts); c.1038+8A>G (NM_172059.5); c.600+8A>G (NM_001288575.2); c.948+8A>G (NM_001288574.2).
Identifiers: ClinVar variation 517557 (VCV000517557.13), dbSNP rs190039495, ClinGen allele CA4779612.

ClinVar aggregate classification (germline): Likely benign. Review status: criteria provided, multiple submitters, no conflicts (2 of 4 stars). 6 submissions from 6 submitters: Likely benign (5). 1 of the submissions does not count toward it. Last evaluated 2026-07-10.

Conditions:
Melnick-Fraser syndrome (BOR). Also called: Branchio-oto-renal syndrome; Branchiootorenal Syndrome (BORS); Branchiootorenal syndrome. Identifiers: Orphanet 107, MedGen C0265234, MONDO:0007029.
EYA1-related disorder. Also called: EYA1-related condition.

Allele frequency attached by ClinVar (database versions not stated): gnomAD 0.00002 and 0.00003; gnomAD exomes 0.00002 and 0.00005; ExAC 0.00003; TOPMed 0.00004; 1000 Genomes Project 0.00040; 1000 Genomes Project 30x 0.00047.
gnomAD v4.1: 34 of 1,614,258 alleles (0.0021%); highest among the groups gnomAD compares: Admixed American, 0.03%; no homozygotes.

Submissions (6):

PreventionGenetics, part of Exact Sciences
Classification: Likely benign for EYA1-related condition. Last evaluated: 2026-07-10. Review status: criteria provided, single submitter. Criteria: ACMG Guidelines, 2015. Collection method: clinical testing. Allele origin: germline.
Comment: This variant is classified as likely benign based on ACMG/AMP sequence variant interpretation guidelines (Richards et al. 2015 PMID: 25741868, with internal and published modifications).

CeGaT Center for Human Genetics Tuebingen
Classification: Likely benign. Last evaluated: 2026-06-01. Review status: criteria provided, single submitter. Criteria: CeGaT Center For Human Genetics Tuebingen Variant Classification Criteria Version 2. Collection method: clinical testing. Allele origin: germline. Affected: yes. Observed: 1 variant allele.
Comment: EYA1: BP4

Labcorp Genetics (formerly Invitae), Labcorp
Classification: Likely benign for Melnick-Fraser syndrome. Last evaluated: 2025-06-12. Review status: criteria provided, single submitter. Criteria: Invitae Variant Classification Sherloc (09022015). Collection method: clinical testing. Allele origin: germline.

Women's Health and Genetics/Laboratory Corporation of America, LabCorp
Classification: Likely benign. Last evaluated: 2024-01-18. Review status: criteria provided, single submitter. Criteria: LabCorp Variant Classification Summary - May 2015. Collection method: clinical testing. Allele origin: germline.
Comment: Variant summary: EYA1 c.966+8A>G alters a non-conserved nucleotide located close to a canonical splice site and therefore could affect mRNA splicing, leading to a significantly altered protein sequence. Consensus agreement among computation tools predict no significant impact on normal splicing. However, these predictions have yet to be confirmed by functional studies. The variant allele was found at a frequency of 2.1e-05 in 1614258 control chromosomes, including 34 heterozygouts. To our knowledge, no occurrence of c.966+8A>G in individuals affected with EYA1-Related Disorders and no experimental evidence demonstrating its impact on protein function have been reported. ClinVar contains an entry for this variant (Variation ID: 517557, Likely Benign). Based on the evidence outlined above, the variant was classified as Likely benign.

Laboratory for Molecular Medicine, Mass General Brigham Personalized Medicine
Classification: Likely benign. Last evaluated: 2017-08-23. Review status: criteria provided, single submitter. Criteria: LMM Criteria. Collection method: clinical testing. Allele origin: germline. Observed: 1 variant allele.
Comment: c.966+8A>G in intron 9 of EYA1: This variant is not expected to have clinical si gnificance because it does not alter an amino acid residue and is not located wi thin the splice consensus sequence. It has been identified in 0.03% (4/11578) of Latino chromosomes by the Exome Aggregation Consortium (ExAC; dbSNP rs190039495).

Genetic Services Laboratory, University of Chicago
Classification: Likely benign. Last evaluated: 2022-07-12. Review status: no assertion criteria provided. Collection method: clinical testing. Allele origin: germline. Affected: no. Not counted in ClinVar's aggregate classification.